The following is an entry in ClinVar:

ClinVar aggregate classification (germline): Likely benign (1 of 4 stars; one submission).

Submission:

CeGaT Center for Human Genetics Tuebingen
Classification: Likely benign. Last evaluated: 2023-07-01. Review status: criteria provided, single submitter. Criteria: CeGaT Center For Human Genetics Tuebingen Variant Classification Criteria Version 2. Collection method: clinical testing. Allele origin: germline. Affected: yes. Observed: 1 variant allele.
Comment: RYR2: PM2:Supporting, BP4, BP7

NM_001035.3(RYR2):c.7545C>T (p.Ala2515=)

Gene: RYR2 (ryanodine receptor 2; plus strand). Cytogenetic location: 1q43.
Variant type: single nucleotide variant.
Coding change: c.7545C>T on transcript NM_001035.3 (MANE Select); coding-DNA position 7545, C replaced by T.
Protein change: p.Ala2515=; no amino-acid change (alanine 2515 retained).
Molecular consequence: synonymous variant.
Genome position (GRCh38, 1-based): chr1:237,649,909, C>T. VCF-style: chr1-237649909-C-T. GRCh37 (hg19) VCF-style: chr1-237813209-C-T.
Identifiers: ClinVar variation 2578600 (VCV002578600.25), dbSNP rs1553268192, ClinGen allele CA423819831.